The following is an entry in ClinVar:

ClinVar aggregate classification (germline): Uncertain significance (1 of 4 stars; one submission).

Conditions:
Hypertrophic cardiomyopathy 26. Also called: Cardiomyopathy, familial hypertrophic, 26. Identifiers: Orphanet 75249, MedGen C4310749, MONDO:0014883, OMIM 617047.
Myofibrillar myopathy 5. Also called: Filaminopathy (type); FILAMINOPATHY, AUTOSOMAL DOMINANT. Identifiers: Orphanet 171445, MedGen C1836050, MONDO:0012289, OMIM 609524.
Distal myopathy with posterior leg and anterior hand involvement. Also called: WILLIAMS DISTAL MYOPATHY. Identifiers: Orphanet 63273, MedGen C3279722, MONDO:0013550, OMIM 614065.

Submission:

Labcorp Genetics (formerly Invitae), Labcorp
Classification: Uncertain significance for Distal myopathy with posterior leg and anterior hand involvement; Myofibrillar myopathy 5; Hypertrophic cardiomyopathy 26. Last evaluated: 2025-05-22. Review status: criteria provided, single submitter. Criteria: Invitae Variant Classification Sherloc (09022015). Collection method: clinical testing. Allele origin: germline.
Comment: This sequence change replaces glutamic acid, which is acidic and polar, with glycine, which is neutral and non-polar, at codon 1561 of the FLNC protein (p.Glu1561Gly). This variant is not present in population databases (gnomAD no frequency). This variant has not been reported in the literature in individuals affected with FLNC-related conditions. Invitae Evidence Modeling of protein sequence and biophysical properties (such as structural, functional, and spatial information, amino acid conservation, physicochemical variation, residue mobility, and thermodynamic stability) has been performed for this missense variant. However, the output from this modeling did not meet the statistical confidence thresholds required to predict the impact of this variant on FLNC protein function. In summary, the available evidence is currently insufficient to determine the role of this variant in disease. Therefore, it has been classified as a Variant of Uncertain Significance.

NM_001458.5(FLNC):c.4682A>G (p.Glu1561Gly)

Gene: FLNC (filamin C; plus strand). Cytogenetic location: 7q32.1.
Variant type: single nucleotide variant.
Coding change: c.4682A>G on transcript NM_001458.5 (MANE Select); coding-DNA position 4682, A replaced by G.
Protein change: p.Glu1561Gly; replaces glutamic acid 1561 with glycine.
Molecular consequence: missense variant.
Genome position (GRCh38, 1-based): chr7:128,848,662, A>G. VCF-style: chr7-128848662-A-G. GRCh37 (hg19) VCF-style: chr7-128488716-A-G.
Other names: c.4682A>G, p.Glu1561Gly (NM_001127487.2); short protein forms E1561G.
Identifiers: ClinVar variation 4812422 (VCV004812422.1).